The following is an entry in ClinVar:

NM_014806.5(RUSC2):c.3007G>A (p.Ala1003Thr)

Gene: RUSC2 (RUN and SH3 domain containing 2; plus strand). Cytogenetic location: 9p13.3.
Variant type: single nucleotide variant.
Coding change: c.3007G>A on transcript NM_014806.5 (MANE Select); coding-DNA position 3007, G replaced by A.
Protein change: p.Ala1003Thr; replaces alanine 1003 with threonine.
Molecular consequence: missense variant. On other transcripts: non-coding transcript variant (1).
Genome position (GRCh38, 1-based): chr9:35,557,937, G>A. VCF-style: chr9-35557937-G-A. GRCh37 (hg19) VCF-style: chr9-35557934-G-A.
Other names: c.3007G>A, p.Ala1003Thr (NM_001135999.2); c.373G>A, p.Ala125Thr (NM_001330740.2); short protein forms A125T, A1003T.
Identifiers: ClinVar variation 1348911 (VCV001348911.3), dbSNP rs367600279, ClinGen allele CA5044023.

ClinVar aggregate classification (germline): Uncertain significance (1 of 4 stars; one submission).

Allele frequency attached by ClinVar (database versions not stated): gnomAD exomes below 0.00001; TOPMed below 0.00001; ExAC 0.00001; ESP Exome Variant Server 0.00008.

Submission:

Labcorp Genetics (formerly Invitae), Labcorp
Classification: Uncertain significance. Last evaluated: 2021-11-02. Review status: criteria provided, single submitter. Criteria: Invitae Variant Classification Sherloc (09022015). Collection method: clinical testing. Allele origin: germline.
Comment: This sequence change replaces alanine, which is neutral and non-polar, with threonine, which is neutral and polar, at codon 1003 of the RUSC2 protein (p.Ala1003Thr). This variant is present in population databases (rs367600279, gnomAD 0.007%). This variant has not been reported in the literature in individuals affected with RUSC2-related conditions. Algorithms developed to predict the effect of missense changes on protein structure and function (SIFT, PolyPhen-2, Align-GVGD) all suggest that this variant is likely to be disruptive. In summary, the available evidence is currently insufficient to determine the role of this variant in disease. Therefore, it has been classified as a Variant of Uncertain Significance.